The following is an entry in ClinVar:

NM_133433.4(NIPBL):c.179A>G (p.Asn60Ser)

Gene: NIPBL (NIPBL cohesin loading factor; plus strand). Cytogenetic location: 5p13.2.
Variant type: single nucleotide variant.
Coding change: c.179A>G on transcript NM_133433.4 (MANE Select); coding-DNA position 179, A replaced by G.
Protein change: p.Asn60Ser; replaces asparagine 60 with serine.
Molecular consequence: missense variant.
Genome position (GRCh38, 1-based): chr5:36,955,586, A>G. VCF-style: chr5-36955586-A-G. GRCh37 (hg19) VCF-style: chr5-36955688-A-G.
Other names: c.179A>G, p.Asn60Ser (NM_015384.5); short protein forms N60S.
Identifiers: ClinVar variation 353371 (VCV000353371.41), dbSNP rs142703446, ClinGen allele CA3235749.

ClinVar aggregate classification (germline): Benign/Likely benign. Review status: criteria provided, multiple submitters, no conflicts (2 of 4 stars). 7 submissions from 7 submitters: Benign (2); Likely benign (5). Last evaluated 2026-06-08.

Conditions:
NIPBL-related disorder. Also called: NIPBL-related condition.
Inborn genetic diseases. Identifiers: MedGen C0950123, MeSH D030342.
Cornelia de Lange syndrome 1 (CDLS1). Also called: TYPUS DEGENERATIVUS AMSTELODAMENSIS; Brachmann de Lange syndrome; NIPBL-Related Cornelia de Lange Syndrome. Identifiers: Orphanet 199, MedGen C4551851, MONDO:0007387, OMIM 122470.

Allele frequency attached by ClinVar (database versions not stated): gnomAD exomes 0.00013; ExAC 0.00018; gnomAD 0.00029; 1000 Genomes Project 30x 0.00031; TOPMed 0.00032; 1000 Genomes Project 0.00040; ESP Exome Variant Server 0.00069.
gnomAD v4.1: 212 of 1,614,080 alleles (0.013%); highest among the groups gnomAD compares: Middle Eastern, 0.099%; no homozygotes.

Submissions (7):

PreventionGenetics, part of Exact Sciences
Classification: Likely benign for NIPBL-related condition. Last evaluated: 2026-06-08. Review status: criteria provided, single submitter. Criteria: ACMG Guidelines, 2015. Collection method: clinical testing. Allele origin: germline.
Comment: This variant is classified as likely benign based on ACMG/AMP sequence variant interpretation guidelines (Richards et al. 2015 PMID: 25741868, with internal and published modifications).

Labcorp Genetics (formerly Invitae), Labcorp
Classification: Likely benign for Cornelia de Lange syndrome 1. Last evaluated: 2025-10-11. Review status: criteria provided, single submitter. Criteria: Invitae Variant Classification Sherloc (09022015). Collection method: clinical testing. Allele origin: germline.

Blueprint Genetics
Classification: Likely benign. Last evaluated: 2024-08-28. Review status: criteria provided, single submitter. Criteria: ACMG Guidelines, 2015. Collection method: clinical testing. Allele origin: germline.

CeGaT Center for Human Genetics Tuebingen
Classification: Likely benign. Last evaluated: 2024-02-01. Review status: criteria provided, single submitter. Criteria: CeGaT Center For Human Genetics Tuebingen Variant Classification Criteria Version 2. Collection method: clinical testing. Allele origin: germline. Affected: yes. Observed: 3 variant alleles.
Comment: NIPBL: BS2

Genome-Nilou Lab
Classification: Benign for Cornelia de Lange syndrome 1. Last evaluated: 2021-07-15. Review status: criteria provided, single submitter. Criteria: ACMG Guidelines, 2015. Collection method: clinical testing. Allele origin: germline. Affected: no.

Ambry Genetics
Classification: Benign for Inborn genetic diseases. Last evaluated: 2019-02-06. Review status: criteria provided, single submitter. Criteria: Ambry Variant Classification Scheme 2023. Collection method: clinical testing. Allele origin: germline.

Illumina Laboratory Services, Illumina
Classification: Likely benign for Cornelia de Lange syndrome 1. Last evaluated: 2018-01-13. Review status: criteria provided, single submitter. Criteria: ICSL Variant Classification Criteria 13 December 2019. Collection method: clinical testing. Allele origin: germline.
Comment: This variant was observed in the ICSL laboratory as part of a predisposition screen in an ostensibly healthy population. It had not been previously curated by ICSL or reported in the Human Gene Mutation Database (HGMD: prior to June 1st, 2018), and was therefore a candidate for classification through an automated scoring system. Utilizing variant allele frequency, disease prevalence and penetrance estimates, and inheritance mode, an automated score was calculated to assess if this variant is too frequent to cause the disease. Based on the score and internal cut-off values, a variant classified as likely benign is not then subjected to further curation. The score for this variant resulted in a classification of likely benign for this disease.